The following is an entry in ClinVar:

NM_014915.3(ANKRD26):c.-116C>G

Gene: ANKRD26 (ankyrin repeat domain 26; minus strand). Cytogenetic location: 10p12.1.
Variant type: single nucleotide variant.
Coding change: c.-116C>G on transcript NM_014915.3 (MANE Select); 116 bases upstream of the start codon, C replaced by G.
Molecular consequence: 5 prime UTR variant.
Genome position (GRCh38, 1-based): chr10:27,100,442, G>C on the plus strand (C>G on the coding strand, the complement: ANKRD26 is on the minus strand). VCF-style: chr10-27100442-G-C. GRCh37 (hg19) VCF-style: chr10-27389371-G-C.
Other names: c.-116C>G (NM_001256053.2).
Identifiers: ClinVar variation 627189 (VCV000627189.6), dbSNP rs1589393739, ClinGen allele CA913185915.

ClinVar aggregate classification (germline): Conflicting classifications of pathogenicity. Review status: criteria provided, conflicting classifications (1 of 4 stars). 3 submissions from 3 submitters: Likely pathogenic (2); Uncertain significance (1). Last evaluated 2023-02-02.

Conditions:
Thrombocytopenia 2 (THC2). Also called: ANKRD26-Related Thrombocytopenia. Identifiers: Orphanet 268322, MedGen C1861185, MONDO:0008555, OMIM 188000.
Thrombocytopenia. Identifiers: MedGen C0040034, MeSH D013921, MONDO:0002049, HP:0001873.

Submissions (3):

Labcorp Genetics (formerly Invitae), Labcorp
Classification: Uncertain significance. Last evaluated: 2023-02-02. Review status: criteria provided, single submitter. Criteria: Invitae Variant Classification Sherloc (09022015). Collection method: clinical testing. Allele origin: germline.
Comment: This variant has been observed in individual(s) with ANKRD26-related conditions (PMID: 24030261, 31064749). It has also been observed to segregate with disease in related individuals. In summary, the available evidence is currently insufficient to determine the role of this variant in disease. Therefore, it has been classified as a Variant of Uncertain Significance. Experimental studies and prediction algorithms are not available or were not evaluated, and the functional significance of this variant is currently unknown. ClinVar contains an entry for this variant (Variation ID: 627189). This variant is not present in population databases (gnomAD no frequency). This variant occurs in a non-coding region of the ANKRD26 gene. It does not change the encoded amino acid sequence of the ANKRD26 protein.

NIHR Bioresource Rare Diseases, University of Cambridge
Classification: Likely pathogenic for Thrombocytopenia. Last evaluated: 2019-02-01. Review status: criteria provided, single submitter. Criteria: ACMG Guidelines, 2015. Collection method: research. Allele origin: unknown. Affected: yes. Observed: 1 heterozygote. Study: ThromboGenomics.

ISTH-SSC Genomics in Thrombosis and Hemostasis, KU Leuven, Center for Molecular and Vascular Biology
Classification: Likely pathogenic for Thrombocytopenia 2. Review status: criteria provided, single submitter. Criteria: ACMG Guidelines, 2015. Collection method: clinical testing. Allele origin: germline. Affected: yes. Observed: 1 heterozygote.
Comment: Submitted to GoldVariant by Jose María Bastida and José Rivera; Grupo Español de Alteraciones Plaquetarias Congénitas (GEAPC)

Literature cited by the submitters: PubMed 24030261 (cited by Labcorp Genetics (formerly Invitae), Labcorp); PubMed 31064749 (cited by 3 submitters).